The following is an entry in ClinVar:

ClinVar aggregate classification (germline): Likely pathogenic. Review status: criteria provided, multiple submitters, no conflicts (2 of 4 stars). 2 submissions from 2 submitters: Likely pathogenic (2). Last evaluated 2024-02-21.

Conditions:
Cohen syndrome (COH1). Also called: PEPPER SYNDROME; Cutis verticis gyrata, retinitis pigmentosa, and sensorineural deafness. Identifiers: Orphanet 193, MedGen C0265223, MONDO:0008999, OMIM 216550.
VPS13B-related disorder. Also called: VPS13B-related condition.

Submissions (2):

Natera, Inc.
Classification: Likely pathogenic for Cohen syndrome. Last evaluated: 2024-02-21. Review status: criteria provided, single submitter. Criteria: Natera Variant Classification Schema (03/2026). Collection method: clinical testing. Allele origin: germline.
Comment: The c.1132C>T variant in VPS13B is a nonsense variant predicted to introduce a stop codon at amino acid 378. This variant is expected to result in nonsense mediated decay, truncation, or a dysfunctional protein product. This variant is rare in the general population with a frequency below the threshold expected for the associated phenotype(s). Given the available evidence, this variant is classified as Likely Pathogenic.

Blueprint Genetics
Classification: Likely pathogenic for VPS13B-related disorders. Last evaluated: 2020-11-16. Review status: criteria provided, single submitter. Criteria: ACMG Guidelines, 2015. Collection method: clinical testing. Allele origin: germline. Affected: yes. Observed: 1 variant allele.

NM_152564.5(VPS13B):c.1132C>T (p.Gln378Ter)

Gene: VPS13B (vacuolar protein sorting 13 homolog B; plus strand). Cytogenetic location: 8q22.2.
Variant type: single nucleotide variant.
Coding change: c.1132C>T on transcript NM_152564.5 (MANE Select); coding-DNA position 1132, C replaced by T.
Protein change: p.Gln378Ter; replaces glutamine 378 with a stop codon.
Molecular consequence: nonsense. On other transcripts: non-coding transcript variant (1).
Genome position (GRCh38, 1-based): chr8:99,121,371, C>T. VCF-style: chr8-99121371-C-T. GRCh37 (hg19) VCF-style: chr8-100133599-C-T.
Other names: c.1132C>T, p.Gln378Ter (NM_015243.3, NM_017890.5, NM_181661.3); short protein forms Q378*.
Identifiers: ClinVar variation 4815929 (VCV004815929.2).